The following is an entry in ClinVar:

ClinVar aggregate classification (germline): Conflicting classifications of pathogenicity. Review status: criteria provided, conflicting classifications (1 of 4 stars). 8 submissions from 8 submitters: Likely pathogenic (1); Uncertain significance (1); Benign (1); Likely benign (2). 3 of the submissions do not count toward it. Last evaluated 2025-12-21.

Conditions:
BCOR-related disorder. Also called: BCOR-related disorders; BCOR-related condition.
Microphthalmia, syndromic 1 (MCOPS1). Also called: ANOP1. Identifiers: Orphanet 568, Orphanet 85275, MedGen C0796016, MONDO:0010671, OMIM 309800.
Oculofaciocardiodental syndrome (MCOPS2). Identifiers: Orphanet 2712, MedGen C1846265, MONDO:0010261, OMIM 300166.

Allele frequency attached by ClinVar (database versions not stated): 1000 Genomes Project 0.00026; 1000 Genomes Project 30x 0.00042; gnomAD 0.00053 and 0.00055; TOPMed 0.00056; ESP Exome Variant Server 0.00057; ExAC 0.00064; gnomAD exomes 0.00067 and 0.00087.
gnomAD v4.1: 1,002 of 1,208,652 alleles (0.083%); highest among the groups gnomAD compares: Middle Eastern, 0.11%; 1 homozygote.

Submissions (8):

Labcorp Genetics (formerly Invitae), Labcorp
Classification: Benign for Oculofaciocardiodental syndrome. Last evaluated: 2025-12-21. Review status: criteria provided, single submitter. Criteria: Invitae Variant Classification Sherloc (09022015). Collection method: clinical testing. Allele origin: germline.

Blueprint Genetics
Classification: Likely benign. Last evaluated: 2024-11-20. Review status: criteria provided, single submitter. Criteria: ACMG Guidelines, 2015. Collection method: clinical testing. Allele origin: germline.

Genomic Research Center, Shahid Beheshti University of Medical Sciences
Classification: Likely pathogenic for Microphthalmia, syndromic 1. Last evaluated: 2017-12-03. Review status: criteria provided, single submitter. Criteria: ACMG Guidelines, 2015. Collection method: clinical testing. Allele origin: inherited. Affected: yes.

Eurofins Ntd Llc (ga)
Classification: Likely benign. Last evaluated: 2015-11-18. Review status: criteria provided, single submitter. Criteria: EGL Classification Definitions 2015. Collection method: clinical testing. Allele origin: germline. Observed: 1 variant allele, 1 heterozygote.

Genetic Services Laboratory, University of Chicago
Classification: Uncertain significance. Last evaluated: 2014-08-08. Review status: criteria provided, single submitter. Criteria: ACMG Guidelines, 2015. Collection method: clinical testing. Allele origin: germline.

PreventionGenetics, part of Exact Sciences
Classification: Likely benign for BCOR-related condition. Last evaluated: 2021-01-22. Review status: no assertion criteria provided. Collection method: clinical testing. Allele origin: germline. Not counted in ClinVar's aggregate classification.
Comment: This variant is classified as likely benign based on ACMG/AMP sequence variant interpretation guidelines (Richards et al. 2015 PMID: 25741868, with internal and published modifications).

Clinical Genetics DNA and cytogenetics Diagnostics Lab, Erasmus MC, Erasmus Medical Center
Classification: Likely benign. Review status: no assertion criteria provided. Collection method: clinical testing. Allele origin: germline. Affected: yes. Study: VKGL Data-share Consensus. Not counted in ClinVar's aggregate classification.

Diagnostic Laboratory, Department of Genetics, University Medical Center Groningen
Classification: Likely benign. Review status: no assertion criteria provided. Collection method: clinical testing. Allele origin: germline. Affected: yes. Study: VKGL Data-share Consensus. Not counted in ClinVar's aggregate classification.

NM_001123385.2(BCOR):c.2035G>A (p.Val679Ile)

Gene: BCOR (BCL6 corepressor; minus strand). Cytogenetic location: Xp11.4.
Variant type: single nucleotide variant.
Coding change: c.2035G>A on transcript NM_001123385.2 (MANE Select); coding-DNA position 2035, G replaced by A.
Protein change: p.Val679Ile; replaces valine 679 with isoleucine.
Molecular consequence: missense variant.
Genome position (GRCh38, 1-based): chrX:40,073,311, C>T on the plus strand (G>A on the coding strand, the complement: BCOR is on the minus strand). VCF-style: chrX-40073311-C-T. GRCh37 (hg19) VCF-style: chrX-39932564-C-T.
Other names: c.2035G>A, p.Val679Ile (NM_001123383.2, NM_001123384.2, NM_017745.6); short protein forms V679I.
Identifiers: ClinVar variation 210518 (VCV000210518.26), dbSNP rs144722432, ClinGen allele CA207143.